The following is an entry in ClinVar:

ClinVar aggregate classification (germline): Uncertain significance (1 of 4 stars; one submission).

Conditions:
Noonan syndrome 5 (NS5). Also called: RAF1-Related Noonan Syndrome. Identifiers: Orphanet 648, MedGen C1969057, MONDO:0012690, OMIM 611553. Disease mechanism: gain of function.

Submission:

3billion
Classification: Uncertain significance for Noonan syndrome 5. Last evaluated: 2022-09-01. Review status: criteria provided, single submitter. Criteria: ACMG Guidelines, 2015. Collection method: clinical testing. Allele origin: germline. Affected: yes. Observed: 1 heterozygote.
Comment: The variant is not observed in the gnomAD v2.1.1 dataset. Missense changes are a common disease-causing mechanism. Therefore, this variant is classified as uncertain significance according to the recommendation of ACMG/AMP guideline.

NM_002880.4(RAF1):c.478C>T (p.Leu160Phe)

Gene: RAF1 (Raf-1 proto-oncogene, serine/threonine kinase; minus strand). Cytogenetic location: 3p25.2.
Variant type: single nucleotide variant.
Coding change: c.478C>T on transcript NM_002880.4 (MANE Select); coding-DNA position 478, C replaced by T.
Protein change: p.Leu160Phe; replaces leucine 160 with phenylalanine.
Molecular consequence: missense variant. On other transcripts: non-coding transcript variant (3).
Genome position (GRCh38, 1-based): chr3:12,608,869, G>A on the plus strand (C>T on the coding strand, the complement: RAF1 is on the minus strand). VCF-style: chr3-12608869-G-A. GRCh37 (hg19) VCF-style: chr3-12650368-G-A.
Other names: c.478C>T, p.Leu160Phe (NM_001354689.3, NM_001354690.3, NM_001354693.3); c.235C>T, p.Leu79Phe (NM_001354691.3, NM_001354692.3, NM_001354694.3 and 1 more transcripts); short protein forms L160F, L79F.
Identifiers: ClinVar variation 1705454 (VCV001705454.1), dbSNP rs1443592793, ClinGen allele CA351517261.